The following is an entry in ClinVar:

ClinVar aggregate classification (germline): Uncertain significance. Review status: criteria provided, multiple submitters, no conflicts (2 of 4 stars). 4 submissions from 4 submitters: Uncertain significance (4). Last evaluated 2025-10-02.

Conditions:
Tumor predisposition syndrome 3 (TPDS3). Also called: Glioma susceptibility 9; LONG TELOMERE SYNDROME, POT1-RELATED; POT1 Tumor Predisposition; Melanoma, cutaneous malignant, susceptibility to, 10. Identifiers: Orphanet 618, MedGen C4014476, MONDO:0014368, OMIM 615848.
Hereditary cancer-predisposing syndrome. Also called: Neoplastic Syndromes, Hereditary; Tumor predisposition; Hereditary Cancer Syndrome; Hereditary neoplastic syndrome. Identifiers: Orphanet 140162, MedGen C0027672, MeSH D009386, MONDO:0015356.

Allele frequency attached by ClinVar (database versions not stated): gnomAD 0.00001; TOPMed 0.00001; ExAC 0.00002; gnomAD exomes 0.00002.
gnomAD v4.1: 5 of 1,611,444 alleles (0.00031%); highest among the groups gnomAD compares: African/African-American, 0.004%; no homozygotes.

Submissions (4):

Ambry Genetics
Classification: Uncertain significance for Hereditary cancer-predisposing syndrome. Last evaluated: 2025-10-02. Review status: criteria provided, single submitter. Criteria: Ambry Variant Classification Scheme 2023. Collection method: clinical testing. Allele origin: germline.
Comment: The p.N300Y variant (also known as c.898A>T), located in coding exon 7 of the POT1 gene, results from an A to T substitution at nucleotide position 898. The asparagine at codon 300 is replaced by tyrosine, an amino acid with dissimilar properties. This amino acid position is conserved. In addition, this alteration is predicted to be tolerated by in silico analysis. Since supporting evidence is limited at this time, the clinical significance of this alteration remains unclear.

Quest Diagnostics Nichols Institute San Juan Capistrano
Classification: Uncertain significance. Last evaluated: 2025-03-28. Review status: criteria provided, single submitter. Criteria: Quest Diagnostics criteria. Collection method: clinical testing. Allele origin: unknown.
Comment: The POT1 c.898A>T (p.Asn300Tyr) variant has not been reported in individuals with POT1-related conditions in the published literature. The frequency of this variant in the general population (Genome Aggregation Database) is uninformative in the assessment of its pathogenicity. Analysis of this variant using bioinformatics tools for the prediction of the effect of amino acid changes on protein structure and function yielded predictions that this variant is benign. Based on the available information, we are unable to determine the clinical significance of this variant.

Labcorp Genetics (formerly Invitae), Labcorp
Classification: Uncertain significance for Tumor predisposition syndrome 3. Last evaluated: 2025-03-27. Review status: criteria provided, single submitter. Criteria: Invitae Variant Classification Sherloc (09022015). Collection method: clinical testing. Allele origin: germline.
Comment: This sequence change replaces asparagine, which is neutral and polar, with tyrosine, which is neutral and polar, at codon 300 of the POT1 protein (p.Asn300Tyr). This variant is present in population databases (rs774946163, gnomAD 0.01%). This variant has not been reported in the literature in individuals affected with POT1-related conditions. ClinVar contains an entry for this variant (Variation ID: 948458). Invitae Evidence Modeling of protein sequence and biophysical properties (such as structural, functional, and spatial information, amino acid conservation, physicochemical variation, residue mobility, and thermodynamic stability) indicates that this missense variant is not expected to disrupt POT1 protein function with a negative predictive value of 80%. In summary, the available evidence is currently insufficient to determine the role of this variant in disease. Therefore, it has been classified as a Variant of Uncertain Significance.

St. Jude Molecular Pathology, St. Jude Children's Research Hospital
Classification: Uncertain significance for Tumor predisposition syndrome 3. Last evaluated: 2022-09-09. Review status: criteria provided, single submitter. Criteria: St. Jude Assertion Criteria 2020. Collection method: clinical testing. Allele origin: germline.
Comment: The POT1 c.898A>T (p.Asn300Tyr) missense change has a maximum subpopulation frequency of 0.012% in gnomAD v2.1.1. The in silico tool REVEL predicts a benign effect on protein function, but to our knowledge this prediction has not been confirmed by functional studies. To our knowledge, this variant has not been reported in individuals with POT1-associated conditions. In summary, the evidence currently available is insufficient to determine the clinical significance of this variant. It has therefore been classified as of uncertain significance.

NM_015450.3(POT1):c.898A>T (p.Asn300Tyr)

Gene: POT1 (protection of telomeres 1; minus strand). Cytogenetic location: 7q31.33.
Variant type: single nucleotide variant.
Coding change: c.898A>T on transcript NM_015450.3 (MANE Select); coding-DNA position 898, A replaced by T.
Protein change: p.Asn300Tyr; replaces asparagine 300 with tyrosine.
Molecular consequence: missense variant. On other transcripts: non-coding transcript variant (3).
Genome position (GRCh38, 1-based): chr7:124,851,923, T>A on the plus strand (A>T on the coding strand, the complement: POT1 is on the minus strand). VCF-style: chr7-124851923-T-A. GRCh37 (hg19) VCF-style: chr7-124491977-T-A.
Other names: c.505A>T, p.Asn169Tyr (NM_001042594.2); short protein forms N169Y, N300Y.
Identifiers: ClinVar variation 948458 (VCV000948458.14), dbSNP rs774946163, ClinGen allele CA4465315.